The following is an entry in ClinVar:

ClinVar aggregate classification (germline): Uncertain significance (1 of 4 stars; one submission).

Conditions:
Cardiovascular phenotype. Identifiers: MedGen CN230736.

Allele frequency attached by ClinVar (database versions not stated): gnomAD exomes below 0.00001; gnomAD 0.00001; TOPMed 0.00001.
gnomAD v4.1: 3 of 1,614,050 alleles (0.00019%); highest among the groups gnomAD compares: East Asian, 0.0045%; no homozygotes.

Submission:

Ambry Genetics
Classification: Uncertain significance for Cardiovascular phenotype. Last evaluated: 2023-06-21. Review status: criteria provided, single submitter. Criteria: Ambry Variant Classification Scheme 2023. Collection method: clinical testing. Allele origin: germline.
Comment: The p.S3012F variant (also known as c.9035C>T), located in coding exon 38 of the ANK2 gene, results from a C to T substitution at nucleotide position 9035. The serine at codon 3012 is replaced by phenylalanine, an amino acid with highly dissimilar properties. This amino acid position is conserved. In addition, this alteration is predicted to be tolerated by in silico analysis. Since supporting evidence is limited at this time, the clinical significance of this alteration remains unclear.

NM_001148.6(ANK2):c.9035C>T (p.Ser3012Phe)

Gene: ANK2 (ankyrin 2; plus strand). Cytogenetic location: 4q26.
Variant type: single nucleotide variant.
Coding change: c.9035C>T on transcript NM_001148.6 (MANE Select); coding-DNA position 9035, C replaced by T.
Protein change: p.Ser3012Phe; replaces serine 3012 with phenylalanine.
Molecular consequence: missense variant. On other transcripts: intron variant (68).
Genome position (GRCh38, 1-based): chr4:113,357,653, C>T. VCF-style: chr4-113357653-C-T. GRCh37 (hg19) VCF-style: chr4-114278809-C-T.
Other names: c.8801C>T, p.Ser2934Phe (NM_001386142.1); c.5435C>T, p.Ser1812Phe (NM_001386166.1); c.9176C>T, p.Ser3059Phe (NM_001386174.1); c.9152C>T, p.Ser3051Phe (NM_001386175.1); c.4412-3170C>T (NM_001386186.2, NM_001386148.2); c.4214-3170C>T (NM_001354269.3); c.4292-3170C>T (NM_001386187.2); c.4253-3170C>T (NM_001386147.1); and 35 more; short protein forms S3059F, S1812F, S2934F, S3012F, S3051F.
Identifiers: ClinVar variation 2585790 (VCV002585790.2), dbSNP rs1352700111, ClinGen allele CA357936386.